The following is an entry in ClinVar:

NM_201384.3(PLEC):c.5470G>A (p.Ala1824Thr)

Gene: PLEC (plectin; minus strand). Cytogenetic location: 8q24.3.
Variant type: single nucleotide variant.
Coding change: c.5470G>A on transcript NM_201384.3 (MANE Select); coding-DNA position 5470, G replaced by A.
Protein change: p.Ala1824Thr; replaces alanine 1824 with threonine.
Molecular consequence: missense variant.
Genome position (GRCh38, 1-based): chr8:143,924,459, C>T on the plus strand (G>A on the coding strand, the complement: PLEC is on the minus strand). VCF-style: chr8-143924459-C-T. GRCh37 (hg19) VCF-style: chr8-144998627-C-T.
Other names: p.Ala1851Thr; c.5551G>A, p.Ala1851Thr (NM_000445.5); c.5428G>A, p.Ala1810Thr (NM_201378.4); c.5404G>A, p.Ala1802Thr (NM_201379.3); c.5881G>A, p.Ala1961Thr (NM_201380.4); c.5374G>A, p.Ala1792Thr (NM_201381.3); c.5470G>A, p.Ala1824Thr (NM_201382.4); c.5482G>A, p.Ala1828Thr (NM_201383.3); short protein forms A1792T, A1802T, A1810T, A1824T, A1828T, A1851T, A1961T.
Identifiers: ClinVar variation 2435052 (VCV002435052.5), dbSNP rs782183816, ClinGen allele CA4926356.

ClinVar aggregate classification (germline): Uncertain significance. Review status: criteria provided, multiple submitters, no conflicts (2 of 4 stars). 3 submissions from 3 submitters: Uncertain significance (3). Last evaluated 2025-11-25.

Conditions:
Epidermolysis bullosa simplex 5B, with muscular dystrophy (EBS5B). Also called: EPIDERMOLYSIS BULLOSA SIMPLEX AND LIMB-GIRDLE MUSCULAR DYSTROPHY; Epidermolysis bullosa simplex with muscular dystrophy. Identifiers: Orphanet 257, MedGen C2931072, MONDO:0009181, OMIM 226670.
Epidermolysis bullosa simplex with nail dystrophy (EBS5D). Identifiers: MedGen C4225309, MONDO:0014661, OMIM 616487.
Epidermolysis bullosa simplex 5C, with pyloric atresia (EBS5C). Also called: PLEC-Related Epidermolysis Bullosa with Pyloric Atresia; Epidermolysis bullosa simplex with pyloric atresia; PLEC1-Related Epidermolysis Bullosa with Pyloric Atresia. Identifiers: Orphanet 158684, MedGen C2677349, MONDO:0012807, OMIM 612138.
Autosomal recessive limb-girdle muscular dystrophy type 2Q (LGMDR17). Also called: MUSCULAR DYSTROPHY, LIMB-GIRDLE, AUTOSOMAL RECESSIVE 17. Identifiers: Orphanet 254361, MedGen C3150989, MONDO:0013390, OMIM 613723.
Epidermolysis bullosa simplex, Ogna type (EBS5A). Also called: EPIDERMOLYSIS BULLOSA SIMPLEX 5A, OGNA TYPE; Pidermolysis bullosa simplex 5A, Ogna type. Identifiers: Orphanet 79401, MedGen C0432317, MONDO:0007555, OMIM 131950.

Allele frequency attached by ClinVar (database versions not stated): ExAC 0.00002; TOPMed 0.00002; gnomAD exomes 0.00003; gnomAD 0.00004.
gnomAD v4.1: 50 of 1,548,594 alleles (0.0032%); highest among the groups gnomAD compares: East Asian, 0.022%; no homozygotes.

Submissions (3):

Labcorp Genetics (formerly Invitae), Labcorp
Classification: Uncertain significance for Autosomal recessive limb-girdle muscular dystrophy type 2Q; Epidermolysis bullosa simplex, Ogna type; Epidermolysis bullosa simplex with nail dystrophy; Epidermolysis bullosa simplex 5C, with pyloric atresia; Epidermolysis bullosa simplex 5B, with muscular dystrophy. Last evaluated: 2025-11-25. Review status: criteria provided, single submitter. Criteria: Invitae Variant Classification Sherloc (09022015). Collection method: clinical testing. Allele origin: germline.
Comment: This sequence change replaces alanine, which is neutral and non-polar, with threonine, which is neutral and polar, at codon 1851 of the PLEC protein (p.Ala1851Thr). This variant is present in population databases (rs782183816, gnomAD 0.01%). This variant has not been reported in the literature in individuals affected with PLEC-related conditions. ClinVar contains an entry for this variant (Variation ID: 2435052). Experimental studies and prediction algorithms are not available or were not evaluated, and the functional significance of this variant is currently unknown. In summary, the available evidence is currently insufficient to determine the role of this variant in disease. Therefore, it has been classified as a Variant of Uncertain Significance.

Mayo Clinic Laboratories, Mayo Clinic
Classification: Uncertain significance. Last evaluated: 2025-05-16. Review status: criteria provided, single submitter. Criteria: ACMG Guidelines, 2015. Collection method: clinical testing. Allele origin: germline. Observed: 2 variant alleles.
Comment: BP4

Revvity Omics, Revvity
Classification: Uncertain significance. Last evaluated: 2019-10-09. Review status: criteria provided, single submitter. Criteria: ACMG Guidelines, 2015. Collection method: clinical testing. Allele origin: germline.